The following is an entry in ClinVar:

NM_002775.5(HTRA1):c.1174T>C (p.Ser392Pro)

Gene: HTRA1 (HtrA serine peptidase 1; plus strand). Cytogenetic location: 10q26.13.
Variant type: single nucleotide variant.
Coding change: c.1174T>C on transcript NM_002775.5 (MANE Select); coding-DNA position 1174, T replaced by C.
Protein change: p.Ser392Pro; replaces serine 392 with proline.
Molecular consequence: missense variant.
Genome position (GRCh38, 1-based): chr10:122,510,149, T>C. VCF-style: chr10-122510149-T-C. GRCh37 (hg19) VCF-style: chr10-124269665-T-C.
Other names: short protein forms S392P.
Identifiers: ClinVar variation 2866295 (VCV002866295.3), dbSNP rs766798402, ClinGen allele CA5726081.

ClinVar aggregate classification (germline): Uncertain significance (1 of 4 stars; one submission).

Allele frequency attached by ClinVar (database versions not stated): gnomAD exomes below 0.00001; TOPMed below 0.00001; gnomAD 0.00001; ExAC 0.00002.
gnomAD v4.1: 3 of 1,613,472 alleles (0.00019%); highest among the groups gnomAD compares: East Asian, 0.0067%; no homozygotes.

Submission:

Labcorp Genetics (formerly Invitae), Labcorp
Classification: Uncertain significance. Last evaluated: 2023-07-20. Review status: criteria provided, single submitter. Criteria: Invitae Variant Classification Sherloc (09022015). Collection method: clinical testing. Allele origin: germline.
Comment: In summary, the available evidence is currently insufficient to determine the role of this variant in disease. Therefore, it has been classified as a Variant of Uncertain Significance. Advanced modeling of protein sequence and biophysical properties (such as structural, functional, and spatial information, amino acid conservation, physicochemical variation, residue mobility, and thermodynamic stability) performed at Invitae indicates that this missense variant is not expected to disrupt HTRA1 protein function. This variant has not been reported in the literature in individuals affected with HTRA1-related conditions. This variant is present in population databases (rs766798402, gnomAD 0.02%). This sequence change replaces serine, which is neutral and polar, with proline, which is neutral and non-polar, at codon 392 of the HTRA1 protein (p.Ser392Pro).